The following is an entry in ClinVar:

ClinVar aggregate classification (germline): Uncertain significance. Review status: criteria provided, multiple submitters, no conflicts (2 of 4 stars). 2 submissions from 2 submitters: Uncertain significance (2). Last evaluated 2024-07-11.

Conditions:
Multiple endocrine neoplasia, type 1 (MEN1). Also called: MEN I; WERMER SYNDROME; Endocrine adenomatosis multiple; MEN 1; MEA I. Identifiers: Orphanet 652, MedGen C0025267, MeSH D018761, MONDO:0007540, OMIM 131100.
Hereditary cancer-predisposing syndrome. Also called: Hereditary Cancer Syndrome; Neoplastic Syndromes, Hereditary; Hereditary neoplastic syndrome; Tumor predisposition. Identifiers: Orphanet 140162, MedGen C0027672, MeSH D009386, MONDO:0015356.

Allele frequency attached by ClinVar (database versions not stated): gnomAD 0.00001.
gnomAD v4.1: 1 of 1,614,076 alleles (0.000062%); highest among the groups gnomAD compares: Non-Finnish European, 0.000085%; no homozygotes.

Submissions (2):

Labcorp Genetics (formerly Invitae), Labcorp
Classification: Uncertain significance for Multiple endocrine neoplasia, type 1. Last evaluated: 2024-07-11. Review status: criteria provided, single submitter. Criteria: Invitae Variant Classification Sherloc (09022015). Collection method: clinical testing. Allele origin: germline.
Comment: This sequence change replaces alanine, which is neutral and non-polar, with glutamic acid, which is acidic and polar, at codon 379 of the MEN1 protein (p.Ala379Glu). This variant is not present in population databases (gnomAD no frequency). This variant has not been reported in the literature in individuals affected with MEN1-related conditions. ClinVar contains an entry for this variant (Variation ID: 818390). Advanced modeling of protein sequence and biophysical properties (such as structural, functional, and spatial information, amino acid conservation, physicochemical variation, residue mobility, and thermodynamic stability) has been performed at Invitae for this missense variant, however the output from this modeling did not meet the statistical confidence thresholds required to predict the impact of this variant on MEN1 protein function. In summary, the available evidence is currently insufficient to determine the role of this variant in disease. Therefore, it has been classified as a Variant of Uncertain Significance.

Ambry Genetics
Classification: Uncertain significance for Hereditary cancer-predisposing syndrome. Last evaluated: 2019-03-08. Review status: criteria provided, single submitter. Criteria: Ambry Variant Classification Scheme 2023. Collection method: clinical testing. Allele origin: germline.
Comment: The p.A379E variant (also known as c.1136C>A), located in coding exon 7 of the MEN1 gene, results from a C to A substitution at nucleotide position 1136. The alanine at codon 379 is replaced by glutamic acid, an amino acid with dissimilar properties. This amino acid position is highly conserved through mammals but not in all available vertebrate species. In addition, the in silico prediction for this alteration is inconclusive. Since supporting evidence is limited at this time, the clinical significance of this alteration remains unclear.

NM_001370259.2(MEN1):c.1136C>A (p.Ala379Glu)

Gene: MEN1 (menin 1; minus strand). Cytogenetic location: 11q13.1.
Variant type: single nucleotide variant.
Coding change: c.1136C>A on transcript NM_001370259.2 (MANE Select); coding-DNA position 1136, C replaced by A.
Protein change: p.Ala379Glu; replaces alanine 379 with glutamic acid.
Molecular consequence: missense variant.
Genome position (GRCh38, 1-based): chr11:64,805,684, G>T on the plus strand (C>A on the coding strand, the complement: MEN1 is on the minus strand). VCF-style: chr11-64805684-G-T. GRCh37 (hg19) VCF-style: chr11-64573156-G-T.
Other names: c.1151C>A, p.Ala384Glu (NM_000244.4, NM_130800.3, NM_130801.3 and 3 more transcripts); c.1262C>A, p.Ala421Glu (NM_001370251.2); c.1136C>A, p.Ala379Glu (NM_001370260.2, NM_001370261.2, NM_130799.3); c.1031C>A, p.Ala344Glu (NM_001370262.2, NM_001370263.2); short protein forms A384E, A421E, A379E, A344E.
Identifiers: ClinVar variation 818390 (VCV000818390.14), dbSNP rs1592640172, ClinGen allele CA381182361.